The following is an entry in ClinVar:

ClinVar aggregate classification (germline): Likely pathogenic (1 of 4 stars; one submission).

Conditions:
PCNT-related disorder. Also called: PCNT-related condition.

Submission:

PreventionGenetics, part of Exact Sciences
Classification: Likely pathogenic for PCNT-related condition. Last evaluated: 2025-08-20. Review status: criteria provided, single submitter. Criteria: ACMG Guidelines, 2015. Collection method: clinical testing. Allele origin: germline.
Comment: The PCNT c.8950_8954del5 variant is predicted to result in a frameshift and premature protein termination (p.Ser2984Argfs*17). To our knowledge, this variant has not been reported in the literature or in a large population database (gnomAD), indicating this variant is rare. Frameshift variants in PCNT are expected to be pathogenic. This variant is interpreted as likely pathogenic.

NM_006031.6(PCNT):c.8950_8954del (p.Ser2984fs)

Gene: PCNT (pericentrin; plus strand). Cytogenetic location: 21q22.3.
Variant type: Deletion.
Coding change: c.8950_8954del on transcript NM_006031.6 (MANE Select); coding-DNA positions 8950 to 8954, 5 bases deleted (TCTGC; older notation c.8950_8954delTCTGC).
Protein change: p.Ser2984fs; shifts the reading frame from serine 2984.
Molecular consequence: frameshift variant.
Genome position (GRCh38, 1-based): chr21:46,436,102-46,436,106, TCTGC deleted; deleting any 5 consecutive bases within chr21:46,436,101-46,436,106 gives the same sequence; the c. name uses the placement nearest the transcript's 3' end. VCF-style (leftmost placement, unchanged base first): chr21-46436100-TCTCTG-T. GRCh37 (hg19) VCF-style: chr21-47856013-TCTCTG-T.
Other names: c.8359_8363del, p.Ser2787fs (NM_001315529.2); short protein forms S2787fs, S2984fs.
Identifiers: ClinVar variation 4991224 (VCV004991224.1).